The following is an entry in ClinVar:

NM_001130144.3(LTBP3):c.65G>A (p.Gly22Glu)

Gene: LTBP3 (latent transforming growth factor beta binding protein 3; minus strand). Cytogenetic location: 11q13.1.
Variant type: single nucleotide variant.
Coding change: c.65G>A on transcript NM_001130144.3 (MANE Select); coding-DNA position 65, G replaced by A.
Protein change: p.Gly22Glu; replaces glycine 22 with glutamic acid.
Molecular consequence: missense variant. On other transcripts: 5 prime UTR variant (1).
Genome position (GRCh38, 1-based): chr11:65,557,895, C>T on the plus strand (G>A on the coding strand, the complement: LTBP3 is on the minus strand). VCF-style: chr11-65557895-C-T. GRCh37 (hg19) VCF-style: chr11-65325366-C-T.
Other names: c.-283G>A (NM_001164266.1); c.65G>A, p.Gly22Glu (NM_021070.4); short protein forms G22E.
Identifiers: ClinVar variation 2112308 (VCV002112308.4), dbSNP rs1215236007, ClinGen allele CA381278703.

ClinVar aggregate classification (germline): Uncertain significance (1 of 4 stars; one submission).

Conditions:
Brachyolmia-amelogenesis imperfecta syndrome. Also called: Tooth agenesis, selective, 6; Dental anomalies and short stature; PLATYSPONDYLY WITH AMELOGENESIS IMPERFECTA. Identifiers: Orphanet 2899, MedGen C1832594, MONDO:0011018, OMIM 601216. Disease mechanism: loss of function.

Submission:

Labcorp Genetics (formerly Invitae), Labcorp
Classification: Uncertain significance for Brachyolmia-amelogenesis imperfecta syndrome. Last evaluated: 2022-03-15. Review status: criteria provided, single submitter. Criteria: Invitae Variant Classification Sherloc (09022015). Collection method: clinical testing. Allele origin: germline.
Comment: In summary, the available evidence is currently insufficient to determine the role of this variant in disease. Therefore, it has been classified as a Variant of Uncertain Significance. Algorithms developed to predict the effect of missense changes on protein structure and function are either unavailable or do not agree on the potential impact of this missense change (SIFT: "Tolerated"; PolyPhen-2: "Not Available"; Align-GVGD: "Class C0"). This variant has not been reported in the literature in individuals affected with LTBP3-related conditions. This variant is not present in population databases (gnomAD no frequency). This sequence change replaces glycine, which is neutral and non-polar, with glutamic acid, which is acidic and polar, at codon 22 of the LTBP3 protein (p.Gly22Glu).